The following is an entry in ClinVar:

NM_001987.5(ETV6):c.1087A>G (p.Lys363Glu)

Genes: ETV6 (ETS variant transcription factor 6; plus strand), LOC126861452 (CDK7 strongly-dependent group 2 enhancer GRCh37_chr12:12037195-12038394; plus strand). Cytogenetic location: 12p13.2.
Variant type: single nucleotide variant.
Coding change: c.1087A>G on transcript NM_001987.5 (MANE Select); coding-DNA position 1087, A replaced by G.
Protein change: p.Lys363Glu; replaces lysine 363 with glutamic acid.
Molecular consequence: missense variant. On other transcripts: intron variant (1).
Genome position (GRCh38, 1-based): chr12:11,884,522, A>G. VCF-style: chr12-11884522-A-G. GRCh37 (hg19) VCF-style: chr12-12037456-A-G.
Other names: c.1084A>G, p.Lys362Glu (NM_001413913.1); c.1060A>G, p.Lys354Glu (NM_001413914.1); c.823A>G, p.Lys275Glu (NM_001413915.1); c.1010-6419A>G (NM_001413917.1); short protein forms K275E, K354E, K363E, K362E.
Identifiers: ClinVar variation 2975481 (VCV002975481.4), dbSNP rs780503242, ClinGen allele CA6454400.

ClinVar aggregate classification (germline): Conflicting classifications of pathogenicity. Review status: criteria provided, conflicting classifications (1 of 4 stars). 2 submissions from 2 submitters: Uncertain significance (1); Likely benign (1). Last evaluated 2025-02-28.

Conditions:
Inborn genetic diseases. Identifiers: MedGen C0950123, MeSH D030342.

Allele frequency attached by ClinVar (database versions not stated): gnomAD exomes below 0.00001; ExAC 0.00001.
gnomAD v4.1: 1 of 1,614,234 alleles (0.000062%); highest among the groups gnomAD compares: Non-Finnish European, 0.000085%; no homozygotes.

Submissions (2):

Ambry Genetics
Classification: Likely benign for Inborn genetic diseases. Last evaluated: 2025-02-28. Review status: criteria provided, single submitter. Criteria: Ambry Variant Classification Scheme 2023. Collection method: clinical testing. Allele origin: germline.

Labcorp Genetics (formerly Invitae), Labcorp
Classification: Uncertain significance. Last evaluated: 2023-01-03. Review status: criteria provided, single submitter. Criteria: Invitae Variant Classification Sherloc (09022015). Collection method: clinical testing. Allele origin: germline.
Comment: This sequence change replaces lysine, which is basic and polar, with glutamic acid, which is acidic and polar, at codon 363 of the ETV6 protein (p.Lys363Glu). This variant is present in population databases (rs780503242, gnomAD 0.0009%). In summary, the available evidence is currently insufficient to determine the role of this variant in disease. Therefore, it has been classified as a Variant of Uncertain Significance. Algorithms developed to predict the effect of missense changes on protein structure and function (SIFT, PolyPhen-2, Align-GVGD) all suggest that this variant is likely to be tolerated. This variant has not been reported in the literature in individuals affected with ETV6-related conditions.